The following is an entry in ClinVar:

ClinVar aggregate classification (germline): Likely benign (1 of 4 stars; one submission).

gnomAD v4.1: 19 of 1,613,522 alleles (0.0012%); highest among the groups gnomAD compares: Middle Eastern, 0.017%; no homozygotes.

Submission:

CeGaT Center for Human Genetics Tuebingen
Classification: Likely benign. Last evaluated: 2026-08-01. Review status: criteria provided, single submitter. Criteria: CeGaT Center For Human Genetics Tuebingen Variant Classification Criteria Version 2. Collection method: clinical testing. Allele origin: germline. Affected: yes. Observed: 1 variant allele.
Comment: ADGRL1: BP4, BP7

NM_014921.5(ADGRL1):c.3135G>A (p.Ala1045=)

Genes: ADGRL1 (adhesion G protein-coupled receptor L1; minus strand), ADGRL1-AS1 (ADGRL1 antisense RNA 1; plus strand). Cytogenetic location: 19p13.12.
Variant type: single nucleotide variant.
Coding change: c.3135G>A on transcript NM_014921.5 (MANE Select); coding-DNA position 3135, G replaced by A.
Protein change: p.Ala1045=; no amino-acid change (alanine 1045 retained).
Molecular consequence: synonymous variant.
Genome position (GRCh38, 1-based): chr19:14,155,518, C>T on the plus strand (G>A on the coding strand, the complement: ADGRL1 is on the minus strand). VCF-style: chr19-14155518-C-T. GRCh37 (hg19) VCF-style: chr19-14266330-C-T.
Other names: c.3150G>A, p.Ala1050= (NM_001008701.3).
Identifiers: ClinVar variation 5039144 (VCV005039144.1).